The following is an entry in ClinVar:

NM_017841.4(SDHAF2):c.300G>T (p.Lys100Asn)

Gene: SDHAF2 (succinate dehydrogenase complex assembly factor 2; plus strand). Cytogenetic location: 11q12.2.
Variant type: single nucleotide variant.
Coding change: c.300G>T on transcript NM_017841.4 (MANE Select); coding-DNA position 300, G replaced by T.
Protein change: p.Lys100Asn; replaces lysine 100 with asparagine.
Molecular consequence: missense variant.
Genome position (GRCh38, 1-based): chr11:61,438,043, G>T. VCF-style: chr11-61438043-G-T. GRCh37 (hg19) VCF-style: chr11-61205515-G-T.
Other names: short protein forms K100N.
Identifiers: ClinVar variation 2892563 (VCV002892563.1), dbSNP rs1274218425, ClinGen allele CA380684101.

ClinVar aggregate classification (germline): Uncertain significance (1 of 4 stars; one submission).

Conditions:
Hereditary pheochromocytoma and paraganglioma. Also called: Hereditary paragangliomas and pheochromocytomas; Hereditary Paraganglioma-Pheochromocytoma Syndromes; Hereditary pheochromocytoma-paraganglioma. Identifiers: Orphanet 29072, MedGen C4274332, MONDO:0017366.

gnomAD v4.1: 1 of 1,614,064 alleles (0.000062%); no homozygotes.

Submission:

Labcorp Genetics (formerly Invitae), Labcorp
Classification: Uncertain significance for Hereditary pheochromocytoma and paraganglioma. Last evaluated: 2023-06-07. Review status: criteria provided, single submitter. Criteria: Invitae Variant Classification Sherloc (09022015). Collection method: clinical testing. Allele origin: germline.
Comment: In summary, the available evidence is currently insufficient to determine the role of this variant in disease. Therefore, it has been classified as a Variant of Uncertain Significance. An algorithm developed to predict the effect of missense changes on protein structure and function (PolyPhen-2) suggests that this variant¬†is likely to be tolerated. This variant has not been reported in the literature in individuals affected with SDHAF2-related conditions. This variant is not present in population databases (gnomAD no frequency). This sequence change replaces lysine, which is basic and polar, with asparagine, which is neutral and polar, at codon 100 of the SDHAF2 protein (p.Lys100Asn).